The following is an entry in ClinVar:

NM_001754.5(RUNX1):c.1397T>G (p.Met466Arg)

Gene: RUNX1 (RUNX family transcription factor 1; minus strand). Cytogenetic location: 21q22.12.
Variant type: single nucleotide variant.
Coding change: c.1397T>G on transcript NM_001754.5 (MANE Select); coding-DNA position 1397, T replaced by G.
Protein change: p.Met466Arg; replaces methionine 466 with arginine.
Molecular consequence: missense variant.
Genome position (GRCh38, 1-based): chr21:34,792,181, A>C on the plus strand (T>G on the coding strand, the complement: RUNX1 is on the minus strand). VCF-style: chr21-34792181-A-C. GRCh37 (hg19) VCF-style: chr21-36164478-A-C.
Other names: NM_001754.5(RUNX1):c.1397T>G; p.Met466Arg; c.1316T>G, p.Met439Arg (NM_001001890.3); short protein forms M466R, M439R.
Identifiers: ClinVar variation 1439341 (VCV001439341.7), dbSNP rs1329096939, ClinGen allele CA410146845.
Genomic context (GRCh38, chr21:34,792,181, plus strand): 5'-CCAGGCCTGGCGCCTCAGTAGGGCCTCCACACGGCCTCCTCCAGGCGCGCGGAGGGCGCC[A>C]TGTTGGTGGGGGAGTTGCTGTGGCTGCCCTCGGCCTCCACCACGTCGCTCTGGTTCGGGA-3'
Protein context (NP_001745.2, residues 456-476): EGSHSNSPTN[Met466Arg]APSARLEEAV

ClinVar aggregate classification (germline): Uncertain significance. Review status: reviewed by expert panel (3 of 4 stars). 2 submissions from 2 submitters: Uncertain significance (1). 1 of the submissions does not count toward it. Last evaluated 2025-05-02.

Conditions:
Hereditary thrombocytopenia and hematological cancer predisposition syndrome associated with RUNX1. Also called: Familial Platelet Disorder with Propensity to Acute Myelogenous Leukemia; Familial thrombocytopenia with propensity to acute myelogenous leukemia; RUNX1 Familial Platelet Disorder with Associated Myeloid Malignancies; PLATELET DISORDER, ASPIRIN-LIKE. Identifiers: Orphanet 71290, MedGen C1832388, MeSH C563324, MONDO:0100083, OMIM 601399.

gnomAD v4.1: 1 of 1,532,776 alleles (0.000065%); highest among the groups gnomAD compares: Admixed American, 0.0019%; no homozygotes.

Submissions (2):

ClinGen Myeloid Malignancy Variant Curation Expert Panel
Classification: Uncertain significance for Hereditary thrombocytopenia and hematological cancer predisposition syndrome associated with RUNX1. Last evaluated: 2025-05-02. Review status: reviewed by expert panel. Criteria: ClinGen MyeloMalig ACMG Specifications v2. Collection method: curation. Allele origin: germline. Inheritance: Autosomal dominant inheritance.
Comment: NM_001754.5(RUNX1):c.1397T>G (p.Met466Arg) is a missense variant. This missense variant has a REVEL score < 0.50 (0.313), phyloP100 = 6.572, spliceAI Δ score 0.00 (BP4). This variant is completely absent from all population databases with at least 20x coverage for RUNX1 (PM2_supporting). In summary, the clinical significance of this variant is uncertain. ACMG/AMP criteria applied, as specified by the Myeloid Malignancy Variant Curation Expert Panel for RUNX1: PM2_supporting, BP4

Labcorp Genetics (formerly Invitae), Labcorp
Classification: Uncertain significance for Hereditary thrombocytopenia and hematological cancer predisposition syndrome associated with RUNX1. Last evaluated: 2022-10-13. Review status: criteria provided, single submitter. Criteria: Invitae Variant Classification Sherloc (09022015). Collection method: clinical testing. Allele origin: germline. Not counted in ClinVar's aggregate classification.
Comment: This sequence change replaces methionine, which is neutral and non-polar, with arginine, which is basic and polar, at codon 466 of the RUNX1 protein (p.Met466Arg). This variant is not present in population databases (gnomAD no frequency). This variant has not been reported in the literature in individuals affected with RUNX1-related conditions. ClinVar contains an entry for this variant (Variation ID: 1439341). Advanced modeling of protein sequence and biophysical properties (such as structural, functional, and spatial information, amino acid conservation, physicochemical variation, residue mobility, and thermodynamic stability) has been performed at Invitae for this missense variant, however the output from this modeling did not meet the statistical confidence thresholds required to predict the impact of this variant on RUNX1 protein function. In summary, the available evidence is currently insufficient to determine the role of this variant in disease. Therefore, it has been classified as a Variant of Uncertain Significance.